The following is an entry in ClinVar:

ClinVar aggregate classification (germline): Conflicting classifications of pathogenicity. Review status: criteria provided, conflicting classifications (1 of 4 stars). 3 submissions from 3 submitters: Uncertain significance (2); Likely benign (1). Last evaluated 2024-05-16.

Allele frequency attached by ClinVar (database versions not stated): gnomAD exomes below 0.00001.
gnomAD v4.1: 2 of 1,610,314 alleles (0.00012%); highest among the groups gnomAD compares: African/African-American, 0.0013%; no homozygotes.

Submissions (3):

GeneDx
Classification: Uncertain significance. Last evaluated: 2024-05-16. Review status: criteria provided, single submitter. Criteria: GeneDx Variant Classification Process June 2021. Collection method: clinical testing. Allele origin: germline. Affected: yes.
Comment: Not observed at significant frequency in large population cohorts (gnomAD); Missense variant in a gene in which most reported pathogenic variants are truncating/loss of function; Has not been previously published as pathogenic or benign to our knowledge

Blueprint Genetics
Classification: Likely benign. Last evaluated: 2024-05-14. Review status: criteria provided, single submitter. Criteria: ACMG Guidelines, 2015. Collection method: clinical testing. Allele origin: germline.

Genetic Services Laboratory, University of Chicago
Classification: Uncertain significance. Last evaluated: 2017-05-03. Review status: criteria provided, single submitter. Criteria: ACMG Guidelines, 2015. Collection method: clinical testing. Allele origin: germline. Affected: no.

NM_001267550.2(TTN):c.92187C>A (p.Ser30729Arg)

Genes: TTN (titin; minus strand), TTN-AS1 (TTN antisense RNA 1; plus strand). Cytogenetic location: 2q31.2.
Variant type: single nucleotide variant.
Coding change: c.92187C>A on transcript NM_001267550.2 (MANE Select); coding-DNA position 92187, C replaced by A.
Protein change: p.Ser30729Arg; replaces serine 30729 with arginine.
Molecular consequence: missense variant.
Genome position (GRCh38, 1-based): chr2:178,549,439, G>T on the plus strand (C>A on the coding strand, the complement: TTN is on the minus strand). VCF-style: chr2-178549439-G-T. GRCh37 (hg19) VCF-style: chr2-179414166-G-T.
Other names: c.87264C>A, p.Ser29088Arg (NM_001256850.1); c.64992C>A, p.Ser21664Arg (NM_003319.4); c.84483C>A, p.Ser28161Arg (NM_133378.4); c.65367C>A, p.Ser21789Arg (NM_133432.3); c.65568C>A, p.Ser21856Arg (NM_133437.4); c.92187C>A (NM_001267550.1); short protein forms S28161R, S30729R, S21789R, S21856R, S21664R, S29088R.
Identifiers: ClinVar variation 437116 (VCV000437116.8), dbSNP rs778827102, ClinGen allele CA60974659.